The following is an entry in ClinVar:

ClinVar aggregate classification (germline): Uncertain significance (1 of 4 stars; one submission).

Conditions:
Hereditary cancer-predisposing syndrome. Also called: Neoplastic Syndromes, Hereditary; Tumor predisposition; Hereditary Cancer Syndrome; Hereditary neoplastic syndrome. Identifiers: Orphanet 140162, MedGen C0027672, MeSH D009386, MONDO:0015356.

Submission:

Ambry Genetics
Classification: Uncertain significance for Hereditary cancer-predisposing syndrome. Last evaluated: 2022-01-14. Review status: criteria provided, single submitter. Criteria: Ambry Variant Classification Scheme 2023. Collection method: clinical testing. Allele origin: germline.
Comment: The p.R540G variant (also known as c.1618C>G), located in coding exon 11 of the CTNNA1 gene, results from a C to G substitution at nucleotide position 1618. The arginine at codon 540 is replaced by glycine, an amino acid with dissimilar properties. This amino acid position is conserved. In addition, this alteration is predicted to be deleterious by in silico analysis. Since supporting evidence is limited at this time, the clinical significance of this alteration remains unclear.

NM_001903.5(CTNNA1):c.1618C>G (p.Arg540Gly)

Gene: CTNNA1 (catenin alpha 1; plus strand). Cytogenetic location: 5q31.2.
Variant type: single nucleotide variant.
Coding change: c.1618C>G on transcript NM_001903.5 (MANE Select); coding-DNA position 1618, C replaced by G.
Protein change: p.Arg540Gly; replaces arginine 540 with glycine.
Molecular consequence: missense variant.
Genome position (GRCh38, 1-based): chr5:138,924,581, C>G. VCF-style: chr5-138924581-C-G. GRCh37 (hg19) VCF-style: chr5-138260270-C-G.
Other names: c.1618C>G, p.Arg540Gly (NM_001290307.3, NM_001323982.2, NM_001323983.1 and 2 more transcripts); c.1309C>G, p.Arg437Gly (NM_001290309.3); c.1249C>G, p.Arg417Gly (NM_001290310.3); c.508C>G, p.Arg170Gly (NM_001290312.1, NM_001323987.1, NM_001323988.1 and 17 more transcripts); c.1525C>G, p.Arg509Gly (NM_001323986.2); c.169C>G, p.Arg57Gly (NM_001324006.1, NM_001324007.1, NM_001324008.1 and 2 more transcripts); c.415C>G, p.Arg139Gly (NM_001324011.1); c.265C>G, p.Arg89Gly (NM_001324012.1, NM_001324013.1); short protein forms R417G, R437G, R57G, R139G, R509G, R540G, R170G, R89G.
Identifiers: ClinVar variation 1776533 (VCV001776533.2), dbSNP rs1203968888, ClinGen allele CA361131836.